The following is an entry in ClinVar:

NM_020937.4(FANCM):c.1873A>C (p.Ser625Arg)

Gene: FANCM (FA complementation group M; plus strand). Cytogenetic location: 14q21.2.
Variant type: single nucleotide variant.
Coding change: c.1873A>C on transcript NM_020937.4 (MANE Select); coding-DNA position 1873, A replaced by C.
Protein change: p.Ser625Arg; replaces serine 625 with arginine.
Molecular consequence: missense variant.
Genome position (GRCh38, 1-based): chr14:45,167,034, A>C. VCF-style: chr14-45167034-A-C. GRCh37 (hg19) VCF-style: chr14-45636237-A-C.
Other names: c.1795A>C, p.Ser599Arg (NM_001308133.2); c.1873A>C, p.Ser625Arg (NM_001308134.2); short protein forms S599R, S625R.
Identifiers: ClinVar variation 3848498 (VCV003848498.1).
Genomic context (GRCh38, chr14:45,167,034, plus strand): 5'-AAAAGAAGTATATATAAAGCTATTTCAAGTAACAGGCAGGTCCTTCATTTTTACCAAAGA[A>C]GTCCACGAATGGTTCCTGATGGAATCAACCCAAAATTACACAAAATGTTCATCACACATG-3'
Protein context (NP_065988.1, residues 615-635): NRQVLHFYQR[Ser625Arg]PRMVPDGINP

ClinVar aggregate classification (germline): Uncertain significance (1 of 4 stars; one submission).

Conditions:
Inborn genetic diseases. Identifiers: MedGen C0950123, MeSH D030342.

gnomAD v4.1: 2 of 1,612,026 alleles (0.00012%); highest among the groups gnomAD compares: Admixed American, 0.0017%; no homozygotes.

Submission:

Ambry Genetics
Classification: Uncertain significance for Inborn genetic diseases. Last evaluated: 2024-12-14. Review status: criteria provided, single submitter. Criteria: Ambry Variant Classification Scheme 2023. Collection method: clinical testing. Allele origin: germline.
Comment: The p.S625R variant (also known as c.1873A>C), located in coding exon 11 of the FANCM gene, results from an A to C substitution at nucleotide position 1873. The serine at codon 625 is replaced by arginine, an amino acid with dissimilar properties. This amino acid position is conserved. In addition, the in silico prediction for this alteration is inconclusive. Based on the available evidence, the clinical significance of this variant remains unclear.